The following is an entry in ClinVar:

ClinVar aggregate classification (germline): Uncertain significance (1 of 4 stars; one submission).

Conditions:
Familial hypocalciuric hypercalcemia 1. Also called: Hypercalcemia, familial benign type 1. Identifiers: Orphanet 405, Orphanet 93372, MedGen C0342637, MONDO:0007791, OMIM 145980.
Autosomal dominant hypocalcemia 1 (HYPOC1). Also called: HYPOCALCEMIA, FAMILIAL. Identifiers: MedGen C3715128, MONDO:0011013, OMIM 601198.

Submission:

Labcorp Genetics (formerly Invitae), Labcorp
Classification: Uncertain significance for Familial hypocalciuric hypercalcemia; Autosomal dominant hypocalcemia 1. Last evaluated: 2016-03-08. Review status: criteria provided, single submitter. Criteria: Invitae Variant Classification Sherloc (09022015). Collection method: clinical testing. Allele origin: germline.
Comment: This sequence change replaces phenylalanine with leucine at codon 98 of the CASR protein (p.Phe98Leu). The phenylalanine residue is highly conserved and there is a small physicochemical difference between phenylalanine and leucine. This variant is not present in population databases (ExAC no frequency) and has not been reported in the literature in individuals with a CASR-related disease. Algorithms developed to predict the effect of missense changes on protein structure and function do not agree on the potential impact of this missense change (SIFT: "Deleterious"; PolyPhen-2: "Probably Damaging"; Align-GVGD: "Class C15"). In summary, this variant is a novel missense change with uncertain impact on protein function. It has been classified as a Variant of Uncertain Significance.

NM_000388.4(CASR):c.294T>G (p.Phe98Leu)

Gene: CASR (calcium sensing receptor; plus strand). Cytogenetic location: 3q21.1.
Variant type: single nucleotide variant.
Coding change: c.294T>G on transcript NM_000388.4 (MANE Select); coding-DNA position 294, T replaced by G.
Protein change: p.Phe98Leu; replaces phenylalanine 98 with leucine.
Molecular consequence: missense variant.
Genome position (GRCh38, 1-based): chr3:122,257,189, T>G. VCF-style: chr3-122257189-T-G. GRCh37 (hg19) VCF-style: chr3-121976036-T-G.
Other names: c.294T>G, p.Phe98Leu (NM_001178065.2); short protein forms F98L.
Identifiers: ClinVar variation 237767 (VCV000237767.1), dbSNP rs878853976, ClinGen allele CA10582119.